The following is an entry in ClinVar:

NM_016239.4(MYO15A):c.5224C>T (p.Leu1742Phe)

Gene: MYO15A (myosin XVA; plus strand). Cytogenetic location: 17p11.2.
Variant type: single nucleotide variant.
Coding change: c.5224C>T on transcript NM_016239.4 (MANE Select); coding-DNA position 5224, C replaced by T.
Protein change: p.Leu1742Phe; replaces leucine 1742 with phenylalanine.
Molecular consequence: missense variant.
Genome position (GRCh38, 1-based): chr17:18,140,529, C>T. VCF-style: chr17-18140529-C-T. GRCh37 (hg19) VCF-style: chr17-18043843-C-T.
Other names: short protein forms L1742F.
Identifiers: ClinVar variation 322149 (VCV000322149.8), dbSNP rs776340062, ClinGen allele CA8424211.

ClinVar aggregate classification (germline): Uncertain significance. Review status: criteria provided, multiple submitters, no conflicts (2 of 4 stars). 4 submissions from 4 submitters: Uncertain significance (4). Last evaluated 2025-09-05.

Conditions:
MYO15A-related disorder. Also called: MYO15A-related condition.
Autosomal recessive nonsyndromic hearing loss 3. Also called: NEUROSENSORY NONSYNDROMIC RECESSIVE DEAFNESS 3. Identifiers: Orphanet 90636, MedGen C1838263, MONDO:0010860, OMIM 600316.
Inborn genetic diseases. Identifiers: MedGen C0950123, MeSH D030342.

Allele frequency attached by ClinVar (database versions not stated): ExAC 0.00001; gnomAD 0.00001 and 0.00002; gnomAD exomes 0.00001 and 0.00002; TOPMed 0.00003.
gnomAD v4.1: 33 of 1,613,456 alleles (0.002%); highest among the groups gnomAD compares: South Asian, 0.0033%; no homozygotes.

Submissions (4):

Ambry Genetics
Classification: Uncertain significance for Inborn genetic diseases. Last evaluated: 2025-09-05. Review status: criteria provided, single submitter. Criteria: Ambry Variant Classification Scheme 2023. Collection method: clinical testing. Allele origin: germline.

GeneDx
Classification: Uncertain significance. Last evaluated: 2025-07-22. Review status: criteria provided, single submitter. Criteria: GeneDx Variant Classification Process June 2021. Collection method: clinical testing. Allele origin: germline. Affected: yes.
Comment: Not observed at significant frequency in large population cohorts (gnomAD); In silico analysis supports that this missense variant has a deleterious effect on protein structure/function; Has not been previously published as pathogenic or benign to our knowledge

PreventionGenetics, part of Exact Sciences
Classification: Uncertain significance for MYO15A-related condition. Last evaluated: 2025-03-19. Review status: criteria provided, single submitter. Criteria: ACMG Guidelines, 2015. Collection method: clinical testing. Allele origin: germline.
Comment: The MYO15A c.5224C>T variant is predicted to result in the amino acid substitution p.Leu1742Phe. To our knowledge, this variant has not been reported in the literature. This variant is reported in 0.0033% of alleles in individuals of South Asian descent in gnomAD. At this time, the clinical significance of this variant is uncertain due to the absence of conclusive functional and genetic evidence.

Illumina Laboratory Services, Illumina
Classification: Uncertain significance for Autosomal recessive nonsyndromic hearing loss 3. Last evaluated: 2018-01-12. Review status: criteria provided, single submitter. Criteria: ICSL Variant Classification Criteria 13 December 2019. Collection method: clinical testing. Allele origin: germline.